The following is an entry in ClinVar:

NM_000059.4(BRCA2):c.7420GAA[2] (p.Glu2476del)

Gene: BRCA2 (BRCA2 DNA repair associated; plus strand). Cytogenetic location: 13q13.1.
Variant type: Microsatellite.
Coding change: c.7420GAA[2] on transcript NM_000059.4 (MANE Select); two copies in a row of the 3-base unit GAA starting at c.7420; the reference has three copies in a row; one copy, 3 bases deleted; also written c.7426_7428del.
Protein change: p.Glu2476del; deletes glutamic acid 2476.
Molecular consequence: inframe deletion.
Genome position (GRCh38, 1-based): chr13:32,355,279-32,355,281, GAA deleted; deleting any 3 consecutive bases within chr13:32,355,273-32,355,281 gives the same sequence; the position shown is the placement nearest the transcript's 3' end. VCF-style (leftmost placement, unchanged base first): chr13-32355272-TGAA-T. GRCh37 (hg19) VCF-style: chr13-32929409-TGAA-T.
Other names: c.7426_7428del (NM_000059.4); c.7426_7428delGAA (NM_000059.4, NM_000059.3); c.7420_7422GAA[2] (NM_000059.3); short protein forms E2476del.
Identifiers: ClinVar variation 231555 (VCV000231555.33), dbSNP rs876659222, ClinGen allele CA6941089.
Genomic context (GRCh38, chr13:32,355,272, plus strand): 5'-GATTCATCAGTTTAACAAAAACAACTCCAATCAAGCAGTAGCTGTAACTTTCACAAAGTG[TGAA>T]GAAGAACCTTTAGGTATTGTATGACAATTTGTGTGATGAATTTTTGCCTTTCAGTTAGAT-3'

ClinVar aggregate classification (germline): Conflicting classifications of pathogenicity. Review status: criteria provided, conflicting classifications (1 of 4 stars). 14 submissions from 14 submitters: Uncertain significance (12); Likely benign (2). Last evaluated 2026-06-30.

Conditions:
Hereditary breast ovarian cancer syndrome. Also called: Hereditary breast and ovarian cancer syndrome; Breast and ovarian cancer; Hereditary breast and ovarian cancer; Hereditary breast and ovarian cancer syndrome (HBOC); BRCA1- and BRCA2-Associated Hereditary Breast and Ovarian Cancer; Hereditary breast and/or ovarian cancer syndrome. Identifiers: Orphanet 145, MedGen C0677776, MeSH D061325, MONDO:0003582. Disease mechanism: loss of function.
Breast-ovarian cancer, familial, susceptibility to, 2 (BROVCA2). Also called: BRCA2 Hereditary Breast and Ovarian Cancer. Identifiers: Orphanet 145, MedGen C2675520, MONDO:0012933, OMIM 612555. Disease mechanism: loss of function.
Familial cancer of breast. Also called: hereditary breast carcinoma; BREAST CANCER, FAMILIAL; Hereditary breast cancer. Identifiers: Orphanet 227535, MedGen C0346153, MONDO:0016419, OMIM 114480. Disease mechanism: loss of function.
Hereditary cancer-predisposing syndrome. Also called: Hereditary neoplastic syndrome; Hereditary Cancer Syndrome; Neoplastic Syndromes, Hereditary; Tumor predisposition. Identifiers: Orphanet 140162, MedGen C0027672, MeSH D009386, MONDO:0015356.
Fanconi anemia complementation group D1. Also called: BRCA2-Related Fanconi Anemia. Identifiers: Orphanet 319462, MedGen C1838457, MONDO:0011584, OMIM 605724.
Medulloblastoma (MDB). Also called: MEDULLOBLASTOMA PREDISPOSITION SYNDROME; Medulloblastoma, somatic. Identifiers: Orphanet 616, MedGen C0025149, MeSH D008527, MONDO:0007959, OMIM 155255, HP:0002885.
Prostate cancer. Also called: Malignant tumor of prostate. Identifiers: Orphanet 1331, MedGen C0376358, MONDO:0008315, HP:0012125.
Wilms tumor 1 (WT1). Also called: Wilms tumor, somatic. Identifiers: Orphanet 654, MedGen CN033288, MONDO:0008679, OMIM 194070.
Pancreatic cancer, susceptibility to, 2. Identifiers: Orphanet 1333, MedGen C3150546, MONDO:0013235, OMIM 613347.
Glioma susceptibility 3 (GLM3). Also called: Glioblastoma 3. Identifiers: Orphanet 182067, Orphanet 360, MedGen C2751641, MONDO:0013093, OMIM 613029.
BRCA2-related disorder. Also called: BRCA2-related condition; BRCA2-related disorders. Identifiers: MedGen CN239275.

Submissions 1 to 8 of 14:

PreventionGenetics, part of Exact Sciences
Classification: Uncertain significance for BRCA2-related condition. Last evaluated: 2026-06-30. Review status: criteria provided, single submitter. Criteria: ACMG Guidelines, 2015. Collection method: clinical testing. Allele origin: germline.
Comment: The BRCA2 c.7426_7428delGAA variant is predicted to result in an in-frame deletion (p.Glu2476del). This variant has been reported in individuals with a personal history of breast cancer (Solano et al. 2017. PubMed ID: 28947987; Guindalini et al. 2022. PubMed ID: 35264596; Table S3, de Oliveira et al. 2022. PubMed ID: 35534704). This variant is reported in 0.0040% of alleles in individuals of African descent in gnomAD and is interpreted as a variant of uncertain significance and likely benign in ClinVar (Variation ID: 231555). At this time, the clinical significance of this variant is uncertain due to the absence of conclusive functional and genetic evidence.

Ambry Genetics
Classification: Uncertain significance for Hereditary cancer-predisposing syndrome. Last evaluated: 2025-06-14. Review status: criteria provided, single submitter. Criteria: Ambry Variant Classification Scheme 2023. Collection method: clinical testing. Allele origin: germline.
Comment: The c.7426_7428delGAA variant (also known as p.E2476del) is located in coding exon 13 of the BRCA2 gene. This variant results from an in-frame GAA deletion at nucleotide positions 7426 to 7428. This results in the in-frame deletion of a glutamic acid at codon 2476. This amino acid position is well conserved in available vertebrate species. In addition, the in silico prediction for this variant is inconclusive (Choi Y et al. PLoS ONE. 2012; 7(10):e46688). Since supporting evidence is limited at this time, the clinical significance of this alteration remains unclear.

GeneDx
Classification: Uncertain significance. Last evaluated: 2025-04-11. Review status: criteria provided, single submitter. Criteria: GeneDx Variant Classification Process June 2021. Collection method: clinical testing. Allele origin: germline. Affected: yes.
Comment: In-frame deletion of 1 amino acid(s) in a non-repeat region; In silico analysis supports a deleterious effect on protein structure/function; Not observed at significant frequency in large population cohorts (gnomAD); Also known as 7654del3, 7654_7656del, and c.7420_7422del: p.2474_2474del; This variant is associated with the following publications: (PMID: 35264596, 25479140, 25085752, 27463008, 28947987, 35534704, 39400928)

Labcorp Genetics (formerly Invitae), Labcorp
Classification: Uncertain significance for Hereditary breast ovarian cancer syndrome. Last evaluated: 2024-12-05. Review status: criteria provided, single submitter. Criteria: Invitae Variant Classification Sherloc (09022015). Collection method: clinical testing. Allele origin: germline.
Comment: This variant, c.7426_7428del, results in the deletion of 1 amino acid(s) of the BRCA2 protein (p.Glu2476del), but otherwise preserves the integrity of the reading frame. This variant is present in population databases (rs757707698, gnomAD 0.004%). This variant has been observed in individual(s) with breast cancer (PMID: 27463008, 28947987, 35264596, 35534704). Experimental studies and prediction algorithms are not available or were not evaluated, and the functional significance of this variant is currently unknown. In summary, the available evidence is currently insufficient to determine the role of this variant in disease. Therefore, it has been classified as a Variant of Uncertain Significance.

Women's Health and Genetics/Laboratory Corporation of America, LabCorp
Classification: Uncertain significance. Last evaluated: 2024-09-30. Review status: criteria provided, single submitter. Criteria: LabCorp Variant Classification Summary - May 2015. Collection method: clinical testing. Allele origin: germline.
Comment: Variant summary: BRCA2 c.7426_7428delGAA (p.Glu2476del) results in an in-frame deletion that is predicted to remove one amino acid from the encoded protein. The variant allele was found at a frequency of 4e-06 in 250980 control chromosomes. The available data on variant occurrences in the general population are insufficient to allow any conclusion about variant significance. c.7426_7428delGAA has been reported in the literature in individuals affected with breast cancer and pancreatic cancer (eg., Grant_2015, Guindalini_2022, Solano_2017, de Oliveira_2022). These reports do not provide unequivocal conclusions about association of the variant with Hereditary Breast And Ovarian Cancer Syndrome. Co-occurrence with a pathogenic variant has been reported in a patient with breast cancer (BRCA1 c.5074+2T>C), providing supporting evidence for a benign role (e.g., de Oliveira_2022). To our knowledge, no experimental evidence demonstrating an impact on protein function has been reported. The following publications have been ascertained in the context of this evaluation (PMID: 25479140, 35264596, 28947987, 35534704). ClinVar contains an entry for this variant (Variation ID: 231555). Based on the evidence outlined above, the variant was classified as uncertain significance.

Molecular Diagnostics Laboratory, Catalan Institute of Oncology
Classification: Likely benign for Hereditary cancer-predisposing syndrome. Last evaluated: 2024-09-17. Review status: criteria provided, single submitter. Criteria: ClinGen BRCA1BRCA2 ACMG Specifications BRCA2 V1.0.0. Collection method: clinical testing. Allele origin: germline.
Comment: BP1_Strong c.7426_7428del, located in exon 14 of the BRCA2 gene, consists in the deletion of 3 nucleotides, predicted to cause an in-frame deletion of 1 amino acids, p.(Glu2476del). This position is outside a (potentially) clinically important functional domain and, moreover, the SpliceAI algorithm predicts no significant impact on splicing (BP1_Strong). This variant is found in 1/236502 in the gnomAD v2.1.1 database (exome non-cancer data set). To our knowledge, functional studies have not been reported for this variant. This variant has been reported in the ClinVar database (9x uncertain significance, 1x likely benign) and in the LOVD database (8x uncertain significance) and in BRCAExchange as ‘Not yed reviewed'. Based on currently available information, the variant c.7426_7428del is classified as a likely benign variant according to ClinGen- BRCA1 and BRCA2 Guidelines version 1.0.0.

Color Diagnostics, LLC DBA Color Health
Classification: Uncertain significance for Hereditary cancer-predisposing syndrome. Last evaluated: 2024-03-05. Review status: criteria provided, single submitter. Criteria: ACMG Guidelines, 2015. Collection method: clinical testing. Allele origin: germline.
Comment: This variant cause an in-frame deletion of one amino acid, glutamic acid 2476, in the BRCA2 protein. To our knowledge, functional studies have not been reported for this variant. This variant has been reported in two individuals affected with breast cancer (PMID: 28947987; Color internal data) and an individual affected with pancreatic cancer (PMID: 25479140). This variant has been identified in 2/282382 chromosomes in the general population by the Genome Aggregation Database (gnomAD). The available evidence is insufficient to determine the role of this variant in disease conclusively. Therefore, this variant is classified as a Variant of Uncertain Significance.

Baylor Genetics
Classification: Uncertain significance for Familial cancer of breast. Last evaluated: 2024-02-29. Review status: criteria provided, single submitter. Criteria: ACMG Guidelines, 2015. Collection method: clinical testing. Allele origin: unknown.